The following is an entry in ClinVar:

ClinVar aggregate classification (germline): Likely benign. Review status: criteria provided, multiple submitters, no conflicts (2 of 4 stars). 3 submissions from 3 submitters: Likely benign (3). Last evaluated 2026-04-01.

Conditions:
WASF1-related disorder. Also called: WASF1-related condition.

Allele frequency attached by ClinVar (database versions not stated): ESP Exome Variant Server 0.00023; TOPMed 0.00024; gnomAD 0.00030; gnomAD exomes 0.00039; ExAC 0.00068; 1000 Genomes Project 30x 0.00141; 1000 Genomes Project 0.00180.
gnomAD v4.1: 640 of 1,613,972 alleles (0.04%); highest among the groups gnomAD compares: Middle Eastern, 0.36%; 3 homozygotes.

Submissions (3):

CeGaT Center for Human Genetics Tuebingen
Classification: Likely benign. Last evaluated: 2026-04-01. Review status: criteria provided, single submitter. Criteria: CeGaT Center For Human Genetics Tuebingen Variant Classification Criteria Version 2. Collection method: clinical testing. Allele origin: germline. Affected: yes. Observed: 5 variant alleles.
Comment: WASF1: BP4, BP7

PreventionGenetics, part of Exact Sciences
Classification: Likely benign for WASF1-related condition. Last evaluated: 2025-11-25. Review status: criteria provided, single submitter. Criteria: ACMG Guidelines, 2015. Collection method: clinical testing. Allele origin: germline.
Comment: This variant is classified as likely benign based on ACMG/AMP sequence variant interpretation guidelines (Richards et al. 2015 PMID: 25741868, with internal and published modifications).

Blueprint Genetics
Classification: Likely benign. Last evaluated: 2024-09-18. Review status: criteria provided, single submitter. Criteria: ACMG Guidelines, 2015. Collection method: clinical testing. Allele origin: germline.

NM_003931.3(WASF1):c.372G>A (p.Thr124=)

Gene: WASF1 (WASP family member 1; minus strand). Cytogenetic location: 6q21.
Variant type: single nucleotide variant.
Coding change: c.372G>A on transcript NM_003931.3 (MANE Select); coding-DNA position 372, G replaced by A.
Protein change: p.Thr124=; no amino-acid change (threonine 124 retained).
Molecular consequence: synonymous variant.
Genome position (GRCh38, 1-based): chr6:110,108,578, C>T on the plus strand (G>A on the coding strand, the complement: WASF1 is on the minus strand). VCF-style: chr6-110108578-C-T. GRCh37 (hg19) VCF-style: chr6-110429781-C-T.
Other names: c.372G>A, p.Thr124= (NM_001024934.2, NM_001024935.2, NM_001024936.2); c.372G>A (NM_003931.2).
Identifiers: ClinVar variation 2656842 (VCV002656842.26), dbSNP rs148137530, ClinGen allele CA3957013.